The following is an entry in ClinVar:

ClinVar aggregate classification (germline): Benign/Likely benign. Review status: criteria provided, multiple submitters, no conflicts (2 of 4 stars). 12 submissions from 10 submitters: Benign (10); Likely benign (2). Last evaluated 2026-02-04.

Conditions:
Cardiovascular phenotype. Identifiers: MedGen CN230736.
Arrhythmogenic cardiomyopathy with wooly hair and keratoderma. Also called: Dilated cardiomyopathy with woolly hair and keratoderma; Arrhythmogenic cardiomyopathy with woolly hair and keratoderma; PALMOPLANTAR KERATODERMA WITH LEFT VENTRICULAR CARDIOMYOPATHY AND WOOLLY HAIR; Carvajal syndrome. Identifiers: Orphanet 65282, MedGen C1854063, MONDO:0011581, OMIM 605676.
Arrhythmogenic right ventricular dysplasia 8 (ARVD8). Also called: Arrhythmogenic Right Ventricular Dysplasia/Cardiomyopathy 8; ARRHYTHMOGENIC RIGHT VENTRICULAR DYSPLASIA, FAMILIAL, 8; ARRHYTHMOGENIC RIGHT VENTRICULAR CARDIOMYOPATHY 8. Identifiers: MedGen C1843896, MONDO:0011831, OMIM 607450.
Cardiomyopathy (CMYO). Also called: Cardiomyopathies. Identifiers: Orphanet 167848, MedGen C0878544, MONDO:0004994, HP:0001638. Inheritance: Various modes of inheritance.
Lethal acantholytic epidermolysis bullosa (EBLA). Identifiers: Orphanet 158687, MedGen C1864826, MONDO:0012323, OMIM 609638.
Woolly hair-skin fragility syndrome (WHSF). Identifiers: Orphanet 293165, MedGen C1843292, MONDO:0957307, OMIM 620415.

Allele frequency attached by ClinVar (database versions not stated): 1000 Genomes Project 0.00200; 1000 Genomes Project 30x 0.00250; TOPMed 0.00277.
gnomAD v4.1: 1,832 of 1,608,092 alleles (0.11%); highest among the groups gnomAD compares: Admixed American, 2.9%; 35 homozygotes.

Submissions (12):

Labcorp Genetics (formerly Invitae), Labcorp
Classification: Benign for Arrhythmogenic cardiomyopathy with wooly hair and keratoderma; Arrhythmogenic right ventricular dysplasia 8. Last evaluated: 2026-02-04. Review status: criteria provided, single submitter. Criteria: Invitae Variant Classification Sherloc (09022015). Collection method: clinical testing. Allele origin: germline.

ARUP Laboratories, Molecular Genetics and Genomics, ARUP Laboratories
Classification: Benign. Last evaluated: 2025-07-08. Review status: criteria provided, single submitter. Criteria: ARUP Molecular Germline Variant Investigation Process 2024. Collection method: clinical testing. Allele origin: germline.

Molecular Diagnostic Laboratory for Inherited Cardiovascular Disease, Montreal Heart Institute
Classification: Likely benign. Last evaluated: 2025-02-17. Review status: criteria provided, single submitter. Criteria: ACMG Guidelines, 2015. Collection method: clinical testing. Allele origin: germline. Affected: no.

Mayo Clinic Laboratories, Mayo Clinic
Classification: Benign. Last evaluated: 2023-03-15. Review status: criteria provided, single submitter. Criteria: ACMG Guidelines, 2015. Collection method: clinical testing. Allele origin: germline. Observed: 10 variant alleles.
Comment: BS1, BS2, BP4

Laboratory for Molecular Medicine, Mass General Brigham Personalized Medicine
Classification: Benign. Last evaluated: 2022-02-15. Review status: criteria provided, single submitter. Criteria: ACMG Guidelines, 2015. Collection method: clinical testing. Allele origin: germline.
Comment: The p.Asn4Lys variant in DSP is classified as benign because it has been identified in 3.5% (1201/34688) of Latino chromosomes, including 24 homozygotes, by gnomAD. ACMG/AMP Criteria applied: BA1.

Center for Advanced Laboratory Medicine, UC San Diego Health, University of California San Diego
Classification: Likely benign for Cardiomyopathy. Last evaluated: 2018-06-26. Review status: criteria provided, single submitter. Criteria: ACMG Guidelines, 2015. Collection method: clinical testing. Allele origin: germline. Affected: yes. Observed: 1 variant allele.

Color Diagnostics, LLC DBA Color Health
Classification: Benign for Cardiomyopathy. Last evaluated: 2018-03-19. Review status: criteria provided, single submitter. Criteria: ACMG Guidelines, 2015. Collection method: clinical testing. Allele origin: germline.

Illumina Laboratory Services, Illumina
Classification: Benign for Lethal acantholytic epidermolysis bullosa. Last evaluated: 2018-01-13. Review status: criteria provided, single submitter. Criteria: ICSL Variant Classification Criteria 13 December 2019. Collection method: clinical testing. Allele origin: germline.
Comment: This variant was observed in the ICSL laboratory as part of a predisposition screen in an ostensibly healthy population. It had not been previously curated by ICSL or reported in the Human Gene Mutation Database (HGMD: prior to June 1st, 2018), and was therefore a candidate for classification through an automated scoring system. Utilizing variant allele frequency, disease prevalence and penetrance estimates, and inheritance mode, an automated score was calculated to assess if this variant is too frequent to cause the disease. Based on the score and internal cut-off values, a variant classified as benign is not then subjected to further curation. The score for this variant resulted in a classification of benign for this disease.

Illumina Laboratory Services, Illumina
Classification: Benign for Arrhythmogenic cardiomyopathy with wooly hair and keratoderma. Last evaluated: 2018-01-13. Review status: criteria provided, single submitter. Criteria: ICSL Variant Classification Criteria 13 December 2019. Collection method: clinical testing. Allele origin: germline.
Comment: the same text as in the submission from Illumina Laboratory Services, Illumina above.

Illumina Laboratory Services, Illumina
Classification: Benign for Arrhythmogenic right ventricular dysplasia 8. Last evaluated: 2018-01-13. Review status: criteria provided, single submitter. Criteria: ICSL Variant Classification Criteria 13 December 2019. Collection method: clinical testing. Allele origin: germline.
Comment: the same text as in the submission from Illumina Laboratory Services, Illumina above.

GeneDx
Classification: Benign. Last evaluated: 2016-05-11. Review status: criteria provided, single submitter. Criteria: GeneDx Variant Classification (06012015). Collection method: clinical testing. Allele origin: germline. Affected: yes.
Comment: This variant is considered likely benign or benign based on one or more of the following criteria: it is a conservative change, it occurs at a poorly conserved position in the protein, it is predicted to be benign by multiple in silico algorithms, and/or has population frequency not consistent with disease.

Ambry Genetics
Classification: Benign for Cardiovascular phenotype. Last evaluated: 2016-02-24. Review status: criteria provided, single submitter. Criteria: Ambry Variant Classification Scheme 2023. Collection method: clinical testing. Allele origin: germline.

NM_004415.4(DSP):c.12C>G (p.Asn4Lys)

Genes: DSP-AS1 (DSP antisense RNA 1; minus strand), DSP (desmoplakin; plus strand). Cytogenetic location: 6p24.3.
Variant type: single nucleotide variant.
Coding change: c.12C>G on transcript NM_004415.4 (MANE Select); coding-DNA position 12, C replaced by G.
Protein change: p.Asn4Lys; replaces asparagine 4 with lysine.
Molecular consequence: missense variant.
Genome position (GRCh38, 1-based): chr6:7,541,927, C>G. VCF-style: chr6-7541927-C-G. GRCh37 (hg19) VCF-style: chr6-7542160-C-G.
Other names: p.N4K:AAC>AAG; c.12C>G, p.Asn4Lys (NM_001008844.3, NM_001319034.2); c.12C>G (NM_004415.3); short protein forms N4K.
Identifiers: ClinVar variation 44858 (VCV000044858.40), dbSNP rs368802003, ClinGen allele CA004879.